The following is an entry in ClinVar:

ClinVar aggregate classification (germline): Pathogenic (1 of 4 stars; one submission).

Submission:

Dasa
Classification: Pathogenic. Last evaluated: 2025-10-30. Review status: criteria provided, single submitter. Criteria: DASA Assertion Criteria. Collection method: clinical testing. Allele origin: germline.
Comment: NM_002124.4(HLA-DRB1):c.298_301delinsAAGCG (p.Ala100Lysfs*28) is a frameshift variant in HLA-DRB1 predicted to alter the reading frame and introduce a premature termination codon and is predicted to result in an absent or altered protein product. Loss of function is an established disease mechanism for HLA-DRB1-associated disorders. Also, this variant is absent from population databases. Based on the currently available evidence, this variant is classified as pathogenic.

NM_002124.4(HLA-DRB1):c.298_301delinsAAGCG (p.Ala100fs)

Gene: HLA-DRB1 (major histocompatibility complex, class II, DR beta 1; minus strand). Cytogenetic location: 6p21.32.
Variant type: Insertion.
Coding change: c.298_301delinsAAGCG on transcript NM_002124.4 (MANE Select); coding-DNA positions 298 to 301, GCGC replaced by AAGCG.
Protein change: p.Ala100fs; shifts the reading frame from alanine 100.
Molecular consequence: frameshift variant.
Genome position (GRCh38, 1-based): chr6:32,584,178-32,584,181, GCGC replaced by CGCTT on the plus strand (GCGC replaced by AAGCG on the coding strand, the reverse complement: HLA-DRB1 is on the minus strand). VCF-style: chr6-32584178-GCGC-CGCTT. GRCh37 (hg19) VCF-style: chr6-32551955-GCGC-CGCTT.
Other names: short protein forms A100fs.
Identifiers: ClinVar variation 4852601 (VCV004852601.2).